The following is an entry in ClinVar:

ClinVar aggregate classification (germline): Pathogenic/Likely pathogenic. Review status: criteria provided, multiple submitters, no conflicts (2 of 4 stars). 2 submissions from 2 submitters: Pathogenic (1); Likely pathogenic (1). Last evaluated 2025-10-20.

Conditions:
Autosomal recessive Alport syndrome (ATS2). Also called: Alport syndrome type 2; COL4A4 Alport Syndrome and Thin Basement Membrane Nephropathy; ALPORT SYNDROME 2, AUTOSOMAL RECESSIVE; COL4A3-Related Nephropathy. Identifiers: Orphanet 63, Orphanet 88919, MedGen C4746745, MONDO:0008762, OMIM 203780.
Hematuria. Identifiers: MedGen C0018965, HP:0000790.

Submissions (2):

Genetics Laboratory, Great Ormond Street Hospital NHS Foundation Trust, North Thames Genomic Laboratory Hub
Classification: Pathogenic for Haematuria. Last evaluated: 2025-10-20. Review status: criteria provided, single submitter. Criteria: ACGS Best Practice Guidelines for Variant Classification in Rare Disease 2024 v1.2. Collection method: clinical testing. Allele origin: germline. Affected: yes.
Comment: PM2_moderate, PVS1_very-strong

Myriad Genetics, Inc.
Classification: Likely pathogenic for Autosomal recessive Alport syndrome. Last evaluated: 2022-01-02. Review status: criteria provided, single submitter. Criteria: Myriad Women's Health Autosomal Recessive and X-Linked Classification Criteria (2021). Collection method: clinical testing. Allele origin: unknown.
Comment: NM_000092.4(COL4A4):c.3039_3040delCA(H1013Qfs*6) is expected to be pathogenic in the context of COL4A4-related Alport syndrome. This variant is predicted to lead to an abnormal or absent protein product due to the creation of a premature termination codon in COL4A4, a gene where loss-of-function variants are known to be pathogenic. Please note: this variant was assessed in the context of healthy population screening.

NM_000092.5(COL4A4):c.3039_3040del (p.His1013fs)

Gene: COL4A4 (collagen type IV alpha 4 chain; minus strand). Cytogenetic location: 2q36.3.
Variant type: Microsatellite.
Coding change: c.3039_3040del on transcript NM_000092.5 (MANE Select); coding-DNA positions 3039 to 3040, 2 bases deleted (CA; older notation c.3039_3040delCA).
Protein change: p.His1013fs; shifts the reading frame from histidine 1013.
Molecular consequence: frameshift variant.
Genome position (GRCh38, 1-based): chr2:227,051,087-227,051,088, TG deleted on the plus strand (CA on the coding strand, the reverse complement: COL4A4 is on the minus strand); deleting any 2 consecutive bases within chr2:227,051,087-227,051,090 gives the same sequence; the c. name uses the placement nearest the transcript's 3' end. VCF-style (leftmost placement, unchanged base first): chr2-227051086-CTG-C. GRCh37 (hg19) VCF-style: chr2-227915802-CTG-C.
Other names: short protein forms H1013fs.
Identifiers: ClinVar variation 1726773 (VCV001726773.3), dbSNP rs2473972556, ClinGen allele CA2580616719.
Genomic context (GRCh38, chr2:227,051,086, plus strand): 5'-GAGCCTGGAGGGCCTGGGGGTCCAGGAGGCCCTGGCTGACCTTTCTCACCAGGTTCCCCT[CTG>C]TGAAATCCAGGTGGTCCGTATCTTCCCGGCTCTCCTCTTCTCCCTTGCATCCCGGGAGTT-3'